The following is an entry in ClinVar:

ClinVar aggregate classification (germline): Uncertain significance (1 of 4 stars; one submission).

Submission:

Labcorp Genetics (formerly Invitae), Labcorp
Classification: Uncertain significance. Last evaluated: 2023-08-11. Review status: criteria provided, single submitter. Criteria: Invitae Variant Classification Sherloc (09022015). Collection method: clinical testing. Allele origin: germline.
Comment: In summary, the available evidence is currently insufficient to determine the role of this variant in disease. Therefore, it has been classified as a Variant of Uncertain Significance. This sequence change replaces threonine, which is neutral and polar, with isoleucine, which is neutral and non-polar, at codon 685 of the DIAPH3 protein (p.Thr685Ile). This variant is not present in population databases (gnomAD no frequency). This variant has not been reported in the literature in individuals affected with DIAPH3-related conditions. Algorithms developed to predict the effect of missense changes on protein structure and function output the following: SIFT: "Not Available"; PolyPhen-2: "Benign"; Align-GVGD: "Not Available". The isoleucine amino acid residue is found in multiple mammalian species, which suggests that this missense change does not adversely affect protein function.

NM_001042517.2(DIAPH3):c.2054C>T (p.Thr685Ile)

Gene: DIAPH3 (diaphanous related formin 3; minus strand). Cytogenetic location: 13q21.2.
Variant type: single nucleotide variant.
Coding change: c.2054C>T on transcript NM_001042517.2 (MANE Select); coding-DNA position 2054, C replaced by T.
Protein change: p.Thr685Ile; replaces threonine 685 with isoleucine.
Molecular consequence: missense variant.
Genome position (GRCh38, 1-based): chr13:59,969,964, G>A on the plus strand (C>T on the coding strand, the complement: DIAPH3 is on the minus strand). VCF-style: chr13-59969964-G-A. GRCh37 (hg19) VCF-style: chr13-60544098-G-A.
Other names: c.2021C>T, p.Thr674Ile (NM_001258366.2); c.1916C>T, p.Thr639Ile (NM_001258367.2); c.1844C>T, p.Thr615Ile (NM_001258368.2); c.2054C>T, p.Thr685Ile (NM_001258369.2); c.1265C>T, p.Thr422Ile (NM_001258370.2, NM_030932.4); short protein forms T615I, T685I, T422I, T639I, T674I.
Identifiers: ClinVar variation 2777341 (VCV002777341.3), dbSNP rs1258933191, ClinGen allele CA388330201.
Genomic context (GRCh38, chr13:59,969,964, plus strand): 5'-CTAAAATCAAATTAATAAATAATCAAGATGTTAAACTTACCTTTTTGTTGGCAACAAAAT[G>A]TATTCTCAAGTTTACAAAGCAAATCCACGTTTTCATACTTATTTTCATTTACTTTTATCC-3'
Protein context (NP_001035982.1, residues 675-695): NVDLLCKLEN[Thr685Ile]FCCQQKERRE